The following is an entry in ClinVar:

NM_017636.4(TRPM4):c.2203C>G (p.Pro735Ala)

Gene: TRPM4 (transient receptor potential cation channel subfamily M member 4; plus strand). Cytogenetic location: 19q13.33.
Variant type: single nucleotide variant.
Coding change: c.2203C>G on transcript NM_017636.4 (MANE Select); coding-DNA position 2203, C replaced by G.
Protein change: p.Pro735Ala; replaces proline 735 with alanine.
Molecular consequence: missense variant.
Genome position (GRCh38, 1-based): chr19:49,190,766, C>G. VCF-style: chr19-49190766-C-G. GRCh37 (hg19) VCF-style: chr19-49694023-C-G.
Other names: c.2203C>G, p.Pro735Ala (NM_001195227.2); c.1858C>G, p.Pro620Ala (NM_001321281.2); c.595C>G, p.Pro199Ala (NM_001321282.2); c.1681C>G, p.Pro561Ala (NM_001321283.2); c.1141C>G, p.Pro381Ala (NM_001321285.2); short protein forms P381A, P199A, P735A, P561A, P620A.
Identifiers: ClinVar variation 1787662 (VCV001787662.2), dbSNP rs1167493070, ClinGen allele CA406806411.

ClinVar aggregate classification (germline): Uncertain significance (1 of 4 stars; one submission).

Conditions:
Cardiovascular phenotype. Identifiers: MedGen CN230736.

Allele frequency attached by ClinVar (database versions not stated): gnomAD exomes below 0.00001.
gnomAD v4.1: 2 of 1,614,106 alleles (0.00012%); highest among the groups gnomAD compares: Non-Finnish European, 0.00017%; no homozygotes.

Submission:

Ambry Genetics
Classification: Uncertain significance for Cardiovascular phenotype. Last evaluated: 2022-03-04. Review status: criteria provided, single submitter. Criteria: Ambry Variant Classification Scheme 2023. Collection method: clinical testing. Allele origin: germline.
Comment: The p.P735A variant (also known as c.2203C>G), located in coding exon 16 of the TRPM4 gene, results from a C to G substitution at nucleotide position 2203. The proline at codon 735 is replaced by alanine, an amino acid with highly similar properties. This amino acid position is conserved. In addition, this alteration is predicted to be tolerated by in silico analysis. Since supporting evidence is limited at this time, the clinical significance of this alteration remains unclear.